The following is an entry in ClinVar:

ClinVar aggregate classification (germline): Uncertain significance (0 of 4 stars; one submission).

Conditions:
BBS10-related disorder. Also called: BBS10-related condition.

gnomAD v4.1: 4 of 1,614,156 alleles (0.00025%); highest among the groups gnomAD compares: Admixed American, 0.0067%; no homozygotes.

Submission:

PreventionGenetics, part of Exact Sciences
Classification: Uncertain significance for BBS10-related condition. Last evaluated: 2023-12-18. Review status: no assertion criteria provided. Collection method: clinical testing. Allele origin: germline.
Comment: The BBS10 c.1168T>C variant is predicted to result in the amino acid substitution p.Cys390Arg. To our knowledge, this variant has not been reported in the literature. This variant is reported in 0.012% of alleles in individuals of Latino descent in gnomAD. At this time, the clinical significance of this variant is uncertain due to the absence of conclusive functional and genetic evidence.

NM_024685.4(BBS10):c.1168T>C (p.Cys390Arg)

Gene: BBS10 (Bardet-Biedl syndrome 10; minus strand). Cytogenetic location: 12q21.2.
Variant type: single nucleotide variant.
Coding change: c.1168T>C on transcript NM_024685.4 (MANE Select); coding-DNA position 1168, T replaced by C.
Protein change: p.Cys390Arg; replaces cysteine 390 with arginine.
Molecular consequence: missense variant.
Genome position (GRCh38, 1-based): chr12:76,346,817, A>G on the plus strand (T>C on the coding strand, the complement: BBS10 is on the minus strand). VCF-style: chr12-76346817-A-G. GRCh37 (hg19) VCF-style: chr12-76740597-A-G.
Other names: short protein forms C390R.
Identifiers: ClinVar variation 3349266 (VCV003349266.1).